The following is an entry in ClinVar:

ClinVar aggregate classification (germline): Likely benign (1 of 4 stars; one submission).

Conditions:
SCAPER-related disorder. Also called: SCAPER-related condition.

gnomAD v4.1: 16 of 1,613,294 alleles (0.00099%); highest among the groups gnomAD compares: Admixed American, 0.023%; no homozygotes.

Submission:

PreventionGenetics, part of Exact Sciences
Classification: Likely benign for SCAPER-related condition. Last evaluated: 2025-05-17. Review status: criteria provided, single submitter. Criteria: ACMG Guidelines, 2015. Collection method: clinical testing. Allele origin: germline.
Comment: This variant is classified as likely benign based on ACMG/AMP sequence variant interpretation guidelines (Richards et al. 2015 PMID: 25741868, with internal and published modifications).

NM_020843.4(SCAPER):c.3435A>G (p.Ala1145=)

Gene: SCAPER (S-phase cyclin A associated protein in the ER; minus strand). Cytogenetic location: 15q24.3.
Variant type: single nucleotide variant.
Coding change: c.3435A>G on transcript NM_020843.4 (MANE Select); coding-DNA position 3435, A replaced by G.
Protein change: p.Ala1145=; no amino-acid change (alanine 1145 retained).
Molecular consequence: synonymous variant. On other transcripts: non-coding transcript variant (1).
Genome position (GRCh38, 1-based): chr15:76,404,556, T>C on the plus strand (A>G on the coding strand, the complement: SCAPER is on the minus strand). VCF-style: chr15-76404556-T-C. GRCh37 (hg19) VCF-style: chr15-76696897-T-C.
Other names: c.2697A>G, p.Ala899= (NM_001145923.2); c.3453A>G, p.Ala1151= (NM_001353009.2); c.3033A>G, p.Ala1011= (NM_001353010.2, NM_001353012.2); c.3051A>G, p.Ala1017= (NM_001353011.2).
Identifiers: ClinVar variation 4989072 (VCV004989072.1).